The following is an entry in ClinVar:

ClinVar aggregate classification (germline): Conflicting classifications of pathogenicity. Review status: criteria provided, conflicting classifications (1 of 4 stars). 6 submissions from 6 submitters: Uncertain significance (3); Likely benign (1). 2 of the submissions do not count toward it. Last evaluated 2026-01-17.

Conditions:
DICER1-related tumor predisposition. Also called: DICER1-related pleuropulmonary blastoma cancer predisposition syndrome; DICER1 syndrome. Identifiers: Orphanet 284343, MedGen C3839822, MONDO:0100216.
DICER1-related disorder. Also called: DICER1-related condition.
Global developmental delay - lung cysts - overgrowth - Wilms tumor syndrome. Also called: GLOW Syndrome; GLOBAL DEVELOPMENTAL DELAY, LUNG CYSTS, OVERGROWTH, AND WILMS TUMOR. Identifiers: Orphanet 404476, MedGen C4748924, MONDO:0018445, OMIM 618272.
Hereditary cancer-predisposing syndrome. Also called: Tumor predisposition; Hereditary Cancer Syndrome; Neoplastic Syndromes, Hereditary; Hereditary neoplastic syndrome. Identifiers: Orphanet 140162, MedGen C0027672, MeSH D009386, MONDO:0015356.

Allele frequency attached by ClinVar (database versions not stated): gnomAD exomes 0.00002 and 0.00004; ExAC 0.00004; gnomAD 0.00001.
gnomAD v4.1: 33 of 1,614,024 alleles (0.002%); highest among the groups gnomAD compares: South Asian, 0.032%; no homozygotes.

Submissions (6):

Labcorp Genetics (formerly Invitae), Labcorp
Classification: Likely benign for DICER1-related tumor predisposition. Last evaluated: 2026-01-17. Review status: criteria provided, single submitter. Criteria: Invitae Variant Classification Sherloc (09022015). Collection method: clinical testing. Allele origin: germline.

Ambry Genetics
Classification: Uncertain significance for Hereditary cancer-predisposing syndrome. Last evaluated: 2025-12-22. Review status: criteria provided, single submitter. Criteria: Ambry Variant Classification Scheme 2023. Collection method: clinical testing. Allele origin: germline.
Comment: The p.D797G variant (also known as c.2390A>G), located in coding exon 14 of the DICER1 gene, results from an A to G substitution at nucleotide position 2390. The aspartic acid at codon 797 is replaced by glycine, an amino acid with similar properties. This amino acid position is highly conserved in available vertebrate species. In addition, this alteration is predicted to be deleterious by in silico analysis. Since supporting evidence is limited at this time, the clinical significance of this alteration remains unclear.

Quest Diagnostics Nichols Institute San Juan Capistrano
Classification: Uncertain significance. Last evaluated: 2025-08-28. Review status: criteria provided, single submitter. Criteria: Quest Diagnostics criteria. Collection method: clinical testing. Allele origin: unknown.
Comment: The DICER1 c.2390A>G (p.Asp797Gly) variant has not been reported in individuals with DICER1-related conditions in the published literature. The frequency of this variant in the general population (Genome Aggregation Database) is higher than would generally be expected for pathogenic variants in this gene. Analysis of this variant using bioinformatics tools for the prediction of the effect of amino acid changes on protein structure and function yielded predictions that this variant is damaging. Based on the available information, we are unable to determine the clinical significance of this variant.

Baylor Genetics
Classification: Uncertain significance for Global developmental delay - lung cysts - overgrowth - Wilms tumor syndrome. Last evaluated: 2023-12-07. Review status: criteria provided, single submitter. Criteria: ACMG Guidelines, 2015. Collection method: clinical testing. Allele origin: unknown.

PreventionGenetics, part of Exact Sciences
Classification: Uncertain significance for DICER1-related condition. Last evaluated: 2024-08-23. Review status: no assertion criteria provided. Collection method: clinical testing. Allele origin: germline. Not counted in ClinVar's aggregate classification.
Comment: The DICER1 c.2390A>G variant is predicted to result in the amino acid substitution p.Asp797Gly. To our knowledge, this variant has not been reported in the literature. This variant is reported in 0.023% of alleles in individuals of South Asian descent in gnomAD, which is more common than expected for an undocumented cause of disease. In ClinVar, this variant has conflicting interpretations including likely benign and uncertain significance. Although we suspect that this variant may be benign, at this time, the clinical significance of this variant is uncertain due to the absence of conclusive functional and genetic evidence.

Pediatric Oncology, Johns Hopkins University
Classification: Uncertain significance. Last evaluated: 2019-02-15. Review status: no assertion criteria provided. Collection method: clinical testing. Allele origin: somatic. Affected: no. Not counted in ClinVar's aggregate classification.

NM_177438.3(DICER1):c.2390A>G (p.Asp797Gly)

Gene: DICER1 (dicer 1, ribonuclease III; minus strand). Cytogenetic location: 14q32.13.
Variant type: single nucleotide variant.
Coding change: c.2390A>G on transcript NM_177438.3 (MANE Select); coding-DNA position 2390, A replaced by G.
Protein change: p.Asp797Gly; replaces aspartic acid 797 with glycine.
Molecular consequence: missense variant.
Genome position (GRCh38, 1-based): chr14:95,108,370, T>C on the plus strand (A>G on the coding strand, the complement: DICER1 is on the minus strand). VCF-style: chr14-95108370-T-C. GRCh37 (hg19) VCF-style: chr14-95574707-T-C.
Other names: c.2390A>G, p.Asp797Gly (NM_001195573.1, NM_001271282.3, NM_001291628.2 and 1 more transcripts); short protein forms D797G.
Identifiers: ClinVar variation 477102 (VCV000477102.22), dbSNP rs755375348, ClinGen allele CA7331250.